The following is an entry in ClinVar:

NM_002972.4(SBF1):c.1668T>C (p.His556=)

Gene: SBF1 (SET binding factor 1; minus strand). Cytogenetic location: 22q13.33.
Variant type: single nucleotide variant.
Coding change: c.1668T>C on transcript NM_002972.4 (MANE Select); coding-DNA position 1668, T replaced by C.
Protein change: p.His556=; no amino-acid change (histidine 556 retained).
Molecular consequence: synonymous variant.
Genome position (GRCh38, 1-based): chr22:50,464,410, A>G on the plus strand (T>C on the coding strand, the complement: SBF1 is on the minus strand). VCF-style: chr22-50464410-A-G. GRCh37 (hg19) VCF-style: chr22-50902839-A-G.
Other names: p.His556=; c.1671T>C, p.His557= (NM_001365819.1).
Identifiers: ClinVar variation 708162 (VCV000708162.50), dbSNP rs139208738, ClinGen allele CA10317566.

ClinVar aggregate classification (germline): Benign/Likely benign. Review status: criteria provided, multiple submitters, no conflicts (2 of 4 stars). 8 submissions from 8 submitters: Benign (4); Likely benign (3). 1 of the submissions does not count toward it. Last evaluated 2026-04-01.

Conditions:
Charcot-Marie-Tooth disease type 4B3. Also called: Charcot-Marie-Tooth Neuropathy Type 4B3; CHARCOT-MARIE-TOOTH DISEASE, DEMYELINATING, TYPE 4B3. Identifiers: Orphanet 363981, MedGen C3695063, MONDO:0014117, OMIM 615284.
SBF1-related disorder. Also called: SBF1-related condition.

Allele frequency attached by ClinVar (database versions not stated): 1000 Genomes Project 30x 0.00125; 1000 Genomes Project 0.00160; gnomAD 0.00257 and 0.00261; TOPMed 0.00269; ExAC 0.00275; gnomAD exomes 0.00282 and 0.00376; ESP Exome Variant Server 0.00300.
gnomAD v4.1: 5,855 of 1,614,094 alleles (0.36%); highest among the groups gnomAD compares: Non-Finnish European, 0.41%; 22 homozygotes.

Submissions (8):

CeGaT Center for Human Genetics Tuebingen
Classification: Likely benign. Last evaluated: 2026-04-01. Review status: criteria provided, single submitter. Criteria: CeGaT Center For Human Genetics Tuebingen Variant Classification Criteria Version 2. Collection method: clinical testing. Allele origin: germline. Affected: yes. Observed: 20 variant alleles.
Comment: SBF1: BP4, BP7, BS2

Labcorp Genetics (formerly Invitae), Labcorp
Classification: Benign. Last evaluated: 2026-02-03. Review status: criteria provided, single submitter. Criteria: Invitae Variant Classification Sherloc (09022015). Collection method: clinical testing. Allele origin: germline.

ARUP Laboratories, Molecular Genetics and Genomics, ARUP Laboratories
Classification: Benign for Charcot-Marie-Tooth disease type 4B3. Last evaluated: 2025-07-09. Review status: criteria provided, single submitter. Criteria: ARUP Molecular Germline Variant Investigation Process 2024. Collection method: clinical testing. Allele origin: germline.

Blueprint Genetics
Classification: Likely benign. Last evaluated: 2024-11-26. Review status: criteria provided, single submitter. Criteria: ACMG Guidelines, 2015. Collection method: clinical testing. Allele origin: germline.

Mayo Clinic Laboratories, Mayo Clinic
Classification: Benign. Last evaluated: 2023-09-26. Review status: criteria provided, single submitter. Criteria: ACMG Guidelines, 2015. Collection method: clinical testing. Allele origin: germline. Observed: 13 variant alleles.
Comment: BS1, BS2, BP4, BP7

GeneDx
Classification: Benign. Last evaluated: 2019-02-06. Review status: criteria provided, single submitter. Criteria: GeneDx Variant Classification Process June 2021. Collection method: clinical testing. Allele origin: germline. Affected: yes.

Breakthrough Genomics
Classification: Likely benign. Review status: criteria provided, single submitter. Criteria: ACMG Guidelines, 2015. Collection method: not provided. Allele origin: germline. Inheritance: Autosomal recessive inheritance. Affected: yes.

PreventionGenetics, part of Exact Sciences
Classification: Likely benign for SBF1-related condition. Last evaluated: 2019-07-10. Review status: no assertion criteria provided. Collection method: clinical testing. Allele origin: germline. Not counted in ClinVar's aggregate classification.
Comment: This variant is classified as likely benign based on ACMG/AMP sequence variant interpretation guidelines (Richards et al. 2015 PMID: 25741868, with internal and published modifications).